The following is an entry in ClinVar:

ClinVar aggregate classification (germline): Uncertain significance. Review status: criteria provided, single submitter (1 of 4 stars). 2 submissions from 2 submitters: Uncertain significance (1). 1 of the submissions does not count toward it. Last evaluated 2025-05-05.

Conditions:
Retinitis pigmentosa 25 (RP25). Identifiers: Orphanet 791, MedGen C1864446, MONDO:0011272, OMIM 602772.

Allele frequency attached by ClinVar (database versions not stated): gnomAD 0.00001; TOPMed 0.00001.

Submissions (2):

Labcorp Genetics (formerly Invitae), Labcorp
Classification: Uncertain significance. Last evaluated: 2025-05-05. Review status: criteria provided, single submitter. Criteria: Invitae Variant Classification Sherloc (09022015). Collection method: clinical testing. Allele origin: germline.
Comment: This sequence change replaces threonine, which is neutral and polar, with asparagine, which is neutral and polar, at codon 2035 of the EYS protein (p.Thr2035Asn). This variant is not present in population databases (gnomAD no frequency). This variant has not been reported in the literature in individuals affected with EYS-related conditions. ClinVar contains an entry for this variant (Variation ID: 1045616). Invitae Evidence Modeling of protein sequence and biophysical properties (such as structural, functional, and spatial information, amino acid conservation, physicochemical variation, residue mobility, and thermodynamic stability) has been performed for this missense variant. However, the output from this modeling did not meet the statistical confidence thresholds required to predict the impact of this variant on EYS protein function. In summary, the available evidence is currently insufficient to determine the role of this variant in disease. Therefore, it has been classified as a Variant of Uncertain Significance.

Natera, Inc.
Classification: Uncertain significance for Retinitis pigmentosa type 25. Last evaluated: 2020-06-17. Review status: no assertion criteria provided. Collection method: clinical testing. Allele origin: germline. Not counted in ClinVar's aggregate classification.

NM_001142800.2(EYS):c.6104C>A (p.Thr2035Asn)

Gene: EYS (EGF-like photoreceptor maintenance factor; minus strand). Cytogenetic location: 6q12.
Variant type: single nucleotide variant.
Coding change: c.6104C>A on transcript NM_001142800.2 (MANE Select); coding-DNA position 6104, C replaced by A.
Protein change: p.Thr2035Asn; replaces threonine 2035 with asparagine.
Molecular consequence: missense variant.
Genome position (GRCh38, 1-based): chr6:64,307,057, G>T on the plus strand (C>A on the coding strand, the complement: EYS is on the minus strand). VCF-style: chr6-64307057-G-T. GRCh37 (hg19) VCF-style: chr6-65016950-G-T.
Other names: c.6104C>A, p.Thr2035Asn (NM_001292009.2); short protein forms T2035N.
Identifiers: ClinVar variation 1045616 (VCV001045616.9), dbSNP rs1769478067, ClinGen allele CA364391863.
Genomic context (GRCh38, chr6:64,307,057, plus strand): 5'-ACTGCCTTGGATGGAATGAAAGATCTCCAGTTATTTATTTCTATAACTTCTATGCAGCCA[G>T]TAAAATTCTTGACTGGTACAGGCATCTGAGAGAGAGAGAGAGAGAGAGAAGTAGAGATAA-3'
Protein context (NP_001136272.1, residues 2025-2045): IQMPVPVKNF[Thr2035Asn]GCIEVIEINN